The following is an entry in ClinVar:

ClinVar aggregate classification (germline): Pathogenic/Likely pathogenic. Review status: criteria provided, multiple submitters, no conflicts (2 of 4 stars). 6 submissions from 6 submitters: Pathogenic (4); Likely pathogenic (1). 1 of the submissions does not count toward it. Last evaluated 2026-02-05.

Conditions:
Succinate-semialdehyde dehydrogenase deficiency (SSADHD). Also called: Succinic Semialdehyde Dehydrogenase Deficiency; 4-HYDROXYBUTYRIC ACIDURIA; GABA METABOLIC DEFECT; SSADH DEFICIENCY. Identifiers: Orphanet 22, MedGen C0268631, MONDO:0010083, OMIM 271980.

Allele frequency attached by ClinVar (database versions not stated): TOPMed below 0.00001; gnomAD 0.00001; gnomAD exomes 0.00001.

Submissions (6):

OLLIN Analises Genomicas, OLLIN
Classification: Pathogenic for Succinate-semialdehyde dehydrogenase deficiency. Last evaluated: 2026-02-05. Review status: criteria provided, single submitter. Criteria: ACMG Guidelines 2015 PMID 25741868. Collection method: clinical testing. Allele origin: germline. Affected: yes. Observed: 1 variant allele.
Comment: The nonsense (stop-gain) variant in the splicing region (chr6:24504871G>A), located in exon 4 (of 10), is reported in ClinVar (VCV000001357.37), in gnomAD v4.1 non-UKB with an allele frequency of 0.0105%, and in the scientific literature in individuals with succinate semialdehyde dehydrogenase deficiency (PMID: 40741980, 38677032, 39011401, 34015244). This variant introduces a premature stop codon, resulting in a truncated protein or mRNA degradation via nonsense-mediated decay (NMD). According to currently available evidence, this variant has been classified as pathogenic (PVS1, PS4_M, PM2_P, PM3_VS).

GeneDx
Classification: Pathogenic. Last evaluated: 2025-11-14. Review status: criteria provided, single submitter. Criteria: GeneDx Variant Classification Process June 2021. Collection method: clinical testing. Allele origin: germline. Affected: yes.
Comment: Published functional studies demonstrate that this variant damages normal protein function (PMID: 32402538); In silico analysis supports that this missense variant has a deleterious effect on protein structure/function; Not observed at significant frequency in large population cohorts (gnomAD); This variant is associated with the following publications: (PMID: 25558043, 33203024, 26268900, 34882073, 31069529, 27815844, 37962671, 36801247, 39011401, 38499966, 32402538)

Labcorp Genetics (formerly Invitae), Labcorp
Classification: Pathogenic for Succinate-semialdehyde dehydrogenase deficiency. Last evaluated: 2022-11-08. Review status: criteria provided, single submitter. Criteria: Invitae Variant Classification Sherloc (09022015). Collection method: clinical testing. Allele origin: germline.
Comment: For these reasons, this variant has been classified as Pathogenic. This variant disrupts the p.Pro203 amino acid residue in ALDH5A1. Other variant(s) that disrupt this residue have been observed in individuals with ALDH5A1-related conditions (PMID: 26268900), which suggests that this may be a clinically significant amino acid residue. Experimental studies have shown that this missense change affects ALDH5A1 function (PMID: 32402538). Algorithms developed to predict the effect of missense changes on protein structure and function (SIFT, PolyPhen-2, Align-GVGD) all suggest that this variant is likely to be disruptive. ClinVar contains an entry for this variant (Variation ID: 1334843). This missense change has been observed in individual(s) with succinic semialdehyde dehydrogenase deficiency (PMID: 27815844). It has also been observed to segregate with disease in related individuals. This variant is present in population databases (no rsID available, gnomAD 0.007%). This sequence change replaces proline, which is neutral and non-polar, with leucine, which is neutral and non-polar, at codon 203 of the ALDH5A1 protein (p.Pro203Leu).

Elsea Laboratory, Baylor College of Medicine
Classification: Pathogenic for Succinate-semialdehyde dehydrogenase deficiency. Last evaluated: 2021-03-08. Review status: criteria provided, single submitter. Criteria: Martin et al. (J Child Neurol. 2021). Collection method: curation. Allele origin: germline. Affected: yes.
Comment: NAD binding domain;deficient enzyme activity

Neuberg Centre For Genomic Medicine, NCGM
Classification: Likely pathogenic for Succinate-semialdehyde dehydrogenase deficiency. Review status: criteria provided, single submitter. Criteria: ACMG Guidelines, 2015. Collection method: clinical testing. Allele origin: germline. Affected: yes.
Comment: The missense variant p.P203L in ALDH5A1 (NM_001080.3) has been previously reported in affected patients, most recently in twins of Indian origin (Pop A et al, Pearl P et al, Attri SV et al). The p.P203L variant is observed in 2/30,592 (0.0065%) alleles from individuals of South Asian background in gnomAD Exomes and is novel (not in any individuals) in 1000 Genomes. There is a moderate physicochemical difference between proline and leucine. The p.P203L missense variant is predicted to be damaging by both SIFT and PolyPhen2. The proline residue at codon 203 of ALDH5A1 is conserved in all mammalian species. The nucleotide c.608 in ALDH5A1 is predicted conserved by GERP++ and PhyloP across 100 vertebrates. For these reasons, this variant has been classified as Likely Pathogenic.

Genetic Services Laboratory, University of Chicago
Classification: Uncertain significance. Last evaluated: 2018-02-21. Review status: flagged submission. Criteria: ACMG Guidelines, 2015. Collection method: clinical testing. Allele origin: germline. Affected: no. Not counted in ClinVar's aggregate classification.
ClinVar note: Reason: Outlier claim with insufficient supporting evidence

Literature cited by the submitters: PubMed 40741980 (cited by OLLIN Analises Genomicas, OLLIN); PubMed 38677032 (cited by OLLIN Analises Genomicas, OLLIN); PubMed 39011401 (cited by OLLIN Analises Genomicas, OLLIN); PubMed 34015244 (cited by OLLIN Analises Genomicas, OLLIN); PubMed 26268900 (cited by Labcorp Genetics (formerly Invitae), Labcorp); PubMed 32402538 (cited by Labcorp Genetics (formerly Invitae), Labcorp and Elsea Laboratory, Baylor College of Medicine); PubMed 27815844 (cited by Labcorp Genetics (formerly Invitae), Labcorp and Elsea Laboratory, Baylor College of Medicine); PubMed 33203024 (cited by Elsea Laboratory, Baylor College of Medicine).

NM_001080.3(ALDH5A1):c.608C>T (p.Pro203Leu)

Gene: ALDH5A1 (aldehyde dehydrogenase 5 family member A1; plus strand). Cytogenetic location: 6p22.3.
Variant type: single nucleotide variant.
Coding change: c.608C>T on transcript NM_001080.3 (MANE Select); coding-DNA position 608, C replaced by T.
Protein change: p.Pro203Leu; replaces proline 203 with leucine.
Molecular consequence: missense variant.
Genome position (GRCh38, 1-based): chr6:24,503,432, C>T. VCF-style: chr6-24503432-C-T. GRCh37 (hg19) VCF-style: chr6-24503660-C-T.
Other names: c.608C>T, p.Pro203Leu (NM_001368954.1, NM_170740.1); short protein forms P203L.
Identifiers: ClinVar variation 1334843 (VCV001334843.18), dbSNP rs906284769, ClinGen allele CA136127836.